The following is an entry in ClinVar:

NM_032242.4(PLXNA1):c.1351G>A (p.Gly451Ser)

Gene: PLXNA1 (plexin A1; plus strand). Cytogenetic location: 3q21.3.
Variant type: single nucleotide variant.
Coding change: c.1351G>A on transcript NM_032242.4 (MANE Select); coding-DNA position 1351, G replaced by A.
Protein change: p.Gly451Ser; replaces glycine 451 with serine.
Molecular consequence: missense variant.
Genome position (GRCh38, 1-based): chr3:126,991,540, G>A. VCF-style: chr3-126991540-G-A. GRCh37 (hg19) VCF-style: chr3-126710383-G-A.
Other names: short protein forms G451S.
Identifiers: ClinVar variation 3356961 (VCV003356961.1).

ClinVar aggregate classification (germline): Uncertain significance (0 of 4 stars; one submission).

Conditions:
PLXNA1-related disorder. Also called: PLXNA1-related condition.

Submission:

PreventionGenetics, part of Exact Sciences
Classification: Uncertain significance for PLXNA1-related condition. Last evaluated: 2024-04-24. Review status: no assertion criteria provided. Collection method: clinical testing. Allele origin: germline.
Comment: The PLXNA1 c.1351G>A variant is predicted to result in the amino acid substitution p.Gly451Ser. To our knowledge, this variant has not been reported in the literature. This variant is reported in 0.0056% of alleles in individuals of East Asian descent in gnomAD. At this time, the clinical significance of this variant is uncertain due to the absence of conclusive functional and genetic evidence.